The following is an entry in ClinVar:

NM_001876.4(CPT1A):c.99_102del (p.Ser34fs)

Gene: CPT1A (carnitine palmitoyltransferase 1A; minus strand). Cytogenetic location: 11q13.3.
Variant type: Microsatellite.
Coding change: c.99_102del on transcript NM_001876.4 (MANE Select); coding-DNA positions 99 to 102, 4 bases deleted (CTCT; older notation c.99_102delCTCT).
Protein change: p.Ser34fs; shifts the reading frame from serine 34.
Molecular consequence: frameshift variant.
Genome position (GRCh38, 1-based): chr11:68,815,373-68,815,376, AGAG deleted on the plus strand (CTCT on the coding strand, the reverse complement: CPT1A is on the minus strand); deleting any 4 consecutive bases within chr11:68,815,373-68,815,379 gives the same sequence; the c. name uses the placement nearest the transcript's 3' end. VCF-style (leftmost placement, unchanged base first): chr11-68815372-CAGAG-C. GRCh37 (hg19) VCF-style: chr11-68582840-CAGAG-C.
Other names: c.99_102del, p.Ser34fs (NM_001031847.3); short protein forms S34fs.
Identifiers: ClinVar variation 2700692 (VCV002700692.3), dbSNP rs1856355517, ClinGen allele CA2497319902.

ClinVar aggregate classification (germline): Pathogenic (1 of 4 stars; one submission).

Conditions:
Carnitine palmitoyl transferase 1A deficiency. Also called: Carnitine palmitoyltransferase 1A deficiency; CPT I DEFICIENCY; CPT DEFICIENCY, HEPATIC, TYPE I; Carnitine palmitoyltransferase type I deficiency; CPT deficiency, hepatic, type IA. Identifiers: Orphanet 156, MedGen C1829703, MONDO:0009705, OMIM 255120.

Submission:

Labcorp Genetics (formerly Invitae), Labcorp
Classification: Pathogenic for Carnitine palmitoyl transferase 1A deficiency. Last evaluated: 2023-12-03. Review status: criteria provided, single submitter. Criteria: Invitae Variant Classification Sherloc (09022015). Collection method: clinical testing. Allele origin: germline.
Comment: This sequence change creates a premature translational stop signal (p.Ser34Aspfs*35) in the CPT1A gene. It is expected to result in an absent or disrupted protein product. Loss-of-function variants in CPT1A are known to be pathogenic (PMID: 16169268). This variant is not present in population databases (gnomAD no frequency). This variant has not been reported in the literature in individuals affected with CPT1A-related conditions. For these reasons, this variant has been classified as Pathogenic.

Literature cited by the submitters: PubMed 16169268.